The following is an entry in ClinVar:

ClinVar aggregate classification (germline): Uncertain significance. Review status: criteria provided, multiple submitters, no conflicts (2 of 4 stars). 2 submissions from 2 submitters: Uncertain significance (2). Last evaluated 2022-02-11.

Allele frequency attached by ClinVar (database versions not stated): gnomAD 0.00001 and 0.00003; gnomAD exomes 0.00002 and 0.00003; TOPMed 0.00003; ExAC 0.00005.

Submissions (2):

Labcorp Genetics (formerly Invitae), Labcorp
Classification: Uncertain significance. Last evaluated: 2022-02-11. Review status: criteria provided, single submitter. Criteria: Invitae Variant Classification Sherloc (09022015). Collection method: clinical testing. Allele origin: germline.
Comment: This sequence change replaces arginine, which is basic and polar, with cysteine, which is neutral and slightly polar, at codon 1503 of the LAMA5 protein (p.Arg1503Cys). In summary, the available evidence is currently insufficient to determine the role of this variant in disease. Therefore, it has been classified as a Variant of Uncertain Significance. Algorithms developed to predict the effect of missense changes on protein structure and function are either unavailable or do not agree on the potential impact of this missense change (SIFT: "Deleterious"; PolyPhen-2: "Benign"; Align-GVGD: "Class C25"). This variant has not been reported in the literature in individuals affected with LAMA5-related conditions. The frequency data for this variant in the population databases is considered unreliable, as metrics indicate poor data quality at this position in the gnomAD database.

CeGaT Center for Human Genetics Tuebingen
Classification: Uncertain significance. Last evaluated: 2022-02-01. Review status: criteria provided, single submitter. Criteria: CeGaT Center For Human Genetics Tuebingen Variant Classification Criteria Version 2. Collection method: clinical testing. Allele origin: germline. Affected: yes. Observed: 1 variant allele.

NM_005560.6(LAMA5):c.4507C>T (p.Arg1503Cys)

Gene: LAMA5 (laminin subunit alpha 5; minus strand). Cytogenetic location: 20q13.33.
Variant type: single nucleotide variant.
Coding change: c.4507C>T on transcript NM_005560.6 (MANE Select); coding-DNA position 4507, C replaced by T.
Protein change: p.Arg1503Cys; replaces arginine 1503 with cysteine.
Molecular consequence: missense variant.
Genome position (GRCh38, 1-based): chr20:62,328,386, G>A on the plus strand (C>T on the coding strand, the complement: LAMA5 is on the minus strand). VCF-style: chr20-62328386-G-A. GRCh37 (hg19) VCF-style: chr20-60903442-G-A.
Other names: short protein forms R1503C.
Identifiers: ClinVar variation 1675864 (VCV001675864.36), dbSNP rs780559444, ClinGen allele CA9942573.